The following is an entry in ClinVar:

ClinVar aggregate classification (germline): Uncertain significance (1 of 4 stars; one submission).

Conditions:
Hereditary cancer-predisposing syndrome. Also called: Tumor predisposition; Hereditary Cancer Syndrome; Hereditary neoplastic syndrome; Neoplastic Syndromes, Hereditary. Identifiers: Orphanet 140162, MedGen C0027672, MeSH D009386, MONDO:0015356.

Allele frequency attached by ClinVar (database versions not stated): gnomAD exomes below 0.00001.
gnomAD v4.1: 1 of 1,612,030 alleles (0.000062%); highest among the groups gnomAD compares: East Asian, 0.0022%; no homozygotes.

Submission:

Ambry Genetics
Classification: Uncertain significance for Hereditary cancer-predisposing syndrome. Last evaluated: 2023-02-22. Review status: criteria provided, single submitter. Criteria: Ambry Variant Classification Scheme 2023. Collection method: clinical testing. Allele origin: germline.
Comment: The p.R2136T variant (also known as c.6407G>C), located in coding exon 43 of the ATM gene, results from a G to C substitution at nucleotide position 6407. The arginine at codon 2136 is replaced by threonine, an amino acid with similar properties. In a multi-gene panel study of patients with bilateral breast cancer, this variant was observed in 1/139 cases (Fanale D et al. Cancers (Basel), 2020 Aug;12:). This amino acid position is well conserved in available vertebrate species. In addition, the in silico prediction for this alteration is inconclusive. Since supporting evidence is limited at this time, the clinical significance of this alteration remains unclear.

Literature cited by the submitters: PubMed 32854451.

NM_000051.4(ATM):c.6407G>C (p.Arg2136Thr)

Genes: ATM (ATM serine/threonine kinase; plus strand), C11orf65 (chromosome 11 open reading frame 65; minus strand). Cytogenetic location: 11q22.3.
Variant type: single nucleotide variant.
Coding change: c.6407G>C on transcript NM_000051.4 (MANE Select); coding-DNA position 6407, G replaced by C.
Protein change: p.Arg2136Thr; replaces arginine 2136 with threonine.
Molecular consequence: missense variant. On other transcripts: intron variant (2).
Genome position (GRCh38, 1-based): chr11:108,320,013, G>C. VCF-style: chr11-108320013-G-C. GRCh37 (hg19) VCF-style: chr11-108190740-G-C.
Other names: c.6407G>C, p.Arg2136Thr (NM_001351834.2); c.641-10942C>G (NM_001330368.2); c.*39-10942C>G (NM_001351110.2); short protein forms R2136T.
Identifiers: ClinVar variation 3222336 (VCV003222336.1), dbSNP rs2085084255, ClinGen allele CA382553414.
Genomic context (GRCh38, chr11:108,320,013, plus strand): 5'-GCAAAGAAGTAGAAGGAACCAGTTACCATGAATCATTGTACAATGCTCTACAATCTCTAA[G>C]AGACAGAGAATTCTCTACATTTTATGAAAGTCTCAAATATGCCAGGTATTATGAAAAGAC-3'
Protein context (NP_000042.3, residues 2126-2146): ESLYNALQSL[Arg2136Thr]DREFSTFYES